The following is an entry in ClinVar:

ClinVar aggregate classification (germline): Uncertain significance (1 of 4 stars; one submission).

Conditions:
Imerslund-Grasbeck syndrome. Also called: Megaloblastic anemia due to inborn errors of metabolism; PERNICIOUS ANEMIA, JUVENILE, DUE TO SELECTIVE INTESTINAL MALABSORPTION OF VITAMIN B12, WITH PROTEINURIA; ENTEROCYTE COBALAMIN MALABSORPTION; ENTEROCYTE INTRINSIC FACTOR RECEPTOR, DEFECT OF; Imerslund-Gräsbeck syndrome. Identifiers: Orphanet 35858, MedGen C4551825, MONDO:0009853.

Allele frequency attached by ClinVar (database versions not stated): ExAC 0.00001; TOPMed 0.00001; gnomAD 0.00003; gnomAD exomes 0.00015.
gnomAD v4.1: 216 of 1,613,536 alleles (0.013%); highest among the groups gnomAD compares: Non-Finnish European, 0.018%; no homozygotes.

Submission:

Labcorp Genetics (formerly Invitae), Labcorp
Classification: Uncertain significance for Imerslund-Grasbeck syndrome. Last evaluated: 2022-07-09. Review status: criteria provided, single submitter. Criteria: Invitae Variant Classification Sherloc (09022015). Collection method: clinical testing. Allele origin: germline.
Comment: This sequence change replaces aspartic acid, which is acidic and polar, with glycine, which is neutral and non-polar, at codon 615 of the CUBN protein (p.Asp615Gly). This variant is present in population databases (rs554157278, gnomAD 0.003%). This variant has not been reported in the literature in individuals affected with CUBN-related conditions. Algorithms developed to predict the effect of missense changes on protein structure and function are either unavailable or do not agree on the potential impact of this missense change (SIFT: "Tolerated"; PolyPhen-2: "Probably Damaging"; Align-GVGD: "Class C0"). In summary, the available evidence is currently insufficient to determine the role of this variant in disease. Therefore, it has been classified as a Variant of Uncertain Significance.

NM_001081.4(CUBN):c.1844A>G (p.Asp615Gly)

Gene: CUBN (cubilin; minus strand). Cytogenetic location: 10p13.
Variant type: single nucleotide variant.
Coding change: c.1844A>G on transcript NM_001081.4 (MANE Select); coding-DNA position 1844, A replaced by G.
Protein change: p.Asp615Gly; replaces aspartic acid 615 with glycine.
Molecular consequence: missense variant.
Genome position (GRCh38, 1-based): chr10:17,088,267, T>C on the plus strand (A>G on the coding strand, the complement: CUBN is on the minus strand). VCF-style: chr10-17088267-T-C. GRCh37 (hg19) VCF-style: chr10-17130266-T-C.
Other names: short protein forms D615G.
Identifiers: ClinVar variation 2202058 (VCV002202058.4), dbSNP rs554157278, ClinGen allele CA5425175.
Genomic context (GRCh38, chr10:17,088,267, plus strand): 5'-AAGGTCCCAAAAGTAAATGTTACCAGGAGGTCAGGACTAGTTACAACAATCCAGACACAA[T>C]CTCTTCCTGGGGGATAGTTTCCAGGATACCCCGGAGACTTAATAGAACCGTAAGGACCAG-3'
Protein context (NP_001072.2, residues 605-625): GYPGNYPPGR[Asp615Gly]CVWIVVTSPD